The following is an entry in ClinVar:

ClinVar aggregate classification (germline): Uncertain significance. Review status: criteria provided, multiple submitters, no conflicts (2 of 4 stars). 3 submissions from 3 submitters: Uncertain significance (3). Last evaluated 2025-01-02.

Conditions:
Glycogen storage disease, type II (IOPD). Also called: GLYCOGENOSIS, GENERALIZED, CARDIAC FORM; GSD II; Glucosidase acid-1,4-alpha deficiency; POMPE DISEASE, INFANTILE-ONSET; GLYCOGEN STORAGE DISEASE II, INFANTILE-ONSET; ACID ALPHA-GLUCOSIDASE DEFICIENCY, INFANTILE-ONSET. Identifiers: Orphanet 365, MedGen C0017921, MONDO:0009290, OMIM 232300.

Allele frequency attached by ClinVar (database versions not stated): gnomAD exomes below 0.00001; ExAC 0.00001; gnomAD 0.00001; 1000 Genomes Project 0.00020; 1000 Genomes Project 30x 0.00031.
gnomAD v4.1: 1 of 1,613,994 alleles (0.000062%); highest among the groups gnomAD compares: Admixed American, 0.0017%; no homozygotes.

Submissions (3):

Labcorp Genetics (formerly Invitae), Labcorp
Classification: Uncertain significance for Glycogen storage disease, type II. Last evaluated: 2025-01-02. Review status: criteria provided, single submitter. Criteria: Invitae Variant Classification Sherloc (09022015). Collection method: clinical testing. Allele origin: germline.
Comment: This sequence change replaces serine, which is neutral and polar, with phenylalanine, which is neutral and non-polar, at codon 560 of the GAA protein (p.Ser560Phe). This variant is present in population databases (rs576056187, gnomAD 0.003%). This variant has not been reported in the literature in individuals affected with GAA-related conditions. ClinVar contains an entry for this variant (Variation ID: 1698478). Invitae Evidence Modeling of protein sequence and biophysical properties (such as structural, functional, and spatial information, amino acid conservation, physicochemical variation, residue mobility, and thermodynamic stability) indicates that this missense variant is expected to disrupt GAA protein function with a positive predictive value of 95%. In summary, the available evidence is currently insufficient to determine the role of this variant in disease. Therefore, it has been classified as a Variant of Uncertain Significance.

Revvity Omics, Revvity
Classification: Uncertain significance. Last evaluated: 2024-10-30. Review status: criteria provided, single submitter. Criteria: ACMG Guidelines, 2015. Collection method: clinical testing. Allele origin: germline.

Women's Health and Genetics/Laboratory Corporation of America, LabCorp
Classification: Uncertain significance. Last evaluated: 2022-06-04. Review status: criteria provided, single submitter. Criteria: LabCorp Variant Classification Summary - May 2015. Collection method: clinical testing. Allele origin: germline.

NM_000152.5(GAA):c.1679C>T (p.Ser560Phe)

Gene: GAA (alpha glucosidase; plus strand). Cytogenetic location: 17q25.3.
Variant type: single nucleotide variant.
Coding change: c.1679C>T on transcript NM_000152.5 (MANE Select); coding-DNA position 1679, C replaced by T.
Protein change: p.Ser560Phe; replaces serine 560 with phenylalanine.
Molecular consequence: missense variant.
Genome position (GRCh38, 1-based): chr17:80,112,025, C>T. VCF-style: chr17-80112025-C-T. GRCh37 (hg19) VCF-style: chr17-78085824-C-T.
Other names: c.1679C>T, p.Ser560Phe (NM_001079803.3, NM_001079804.3); short protein forms S560F.
Identifiers: ClinVar variation 1698478 (VCV001698478.5), dbSNP rs576056187, ClinGen allele CA8815434.
Genomic context (GRCh38, chr17:80,112,025, plus strand): 5'-AGCCCCCGCCTCTTCCAGGGGTGGTTGGGGGGACCCTCCAGGCGGCCACCATCTGTGCCT[C>T]CAGCCACCAGTTTCTCTCCACACACTACAACCTGCACAACCTCTACGGCCTGACCGAAGC-3'
Protein context (NP_000143.2, residues 550-570): GTLQAATICA[Ser560Phe]SHQFLSTHYN